The following is an entry in ClinVar:

NM_014314.4(RIGI):c.1124ACA[1] (p.Asn376del)

Gene: RIGI (RNA sensor RIG-I; minus strand). Cytogenetic location: 9p21.1.
Variant type: Microsatellite.
Coding change: c.1124ACA[1] on transcript NM_014314.4 (MANE Select); one copy of the 3-base unit ACA starting at c.1124; the reference has two copies in a row; one copy, 3 bases deleted.
Protein change: p.Asn376del; deletes asparagine 376.
Molecular consequence: inframe deletion.
Genome position (GRCh38, 1-based): chr9:32,488,028-32,488,030, TGT deleted on the plus strand (ACA on the coding strand, the reverse complement: RIGI is on the minus strand); deleting any 3 consecutive bases within chr9:32,488,028-32,488,033 gives the same sequence; the position shown is the placement nearest the transcript's 3' end. VCF-style (leftmost placement, unchanged base first): chr9-32488027-GTGT-G. GRCh37 (hg19) VCF-style: chr9-32488025-GTGT-G.
Other names: c.1118ACA[1], p.Asn374del (NM_001385907.1); c.1124ACA[1], p.Asn376del (NM_001385909.1); c.683ACA[1], p.Asn229del (NM_001385910.1); c.515ACA[1], p.Asn173del (NM_001385912.1); c.1109ACA[1], p.Asn371del (NM_001385913.1); c.680ACA[1], p.Asn228del (NM_001385914.1); short protein forms N173del, N228del, N371del, N374del, N229del, N376del.
Identifiers: ClinVar variation 1510365 (VCV001510365.6), dbSNP rs2118803093, ClinGen allele CA2580616167.

ClinVar aggregate classification (germline): Uncertain significance (1 of 4 stars; one submission).

Submission:

Labcorp Genetics (formerly Invitae), Labcorp
Classification: Uncertain significance. Last evaluated: 2021-10-11. Review status: criteria provided, single submitter. Criteria: Invitae Variant Classification Sherloc (09022015). Collection method: clinical testing. Allele origin: germline.
Comment: In summary, the available evidence is currently insufficient to determine the role of this variant in disease. Therefore, it has been classified as a Variant of Uncertain Significance. Experimental studies and prediction algorithms are not available or were not evaluated, and the functional significance of this variant is currently unknown. This variant has not been reported in the literature in individuals affected with DDX58-related conditions. This variant is not present in population databases (ExAC no frequency). This variant, c.1127_1129del, results in the deletion of 1 amino acid(s) of the DDX58 protein (p.Asn376del), but otherwise preserves the integrity of the reading frame.